The following is an entry in ClinVar:

ClinVar aggregate classification (germline): Likely benign. Review status: criteria provided, multiple submitters, no conflicts (2 of 4 stars). 8 submissions from 8 submitters: Likely benign (5). 3 of the submissions do not count toward it. Last evaluated 2026-02-01.

Conditions:
COL4A1-related disorder. Also called: COL4A1-related disorders; COL4A1-related condition. Identifiers: MedGen CN376119, MONDO:0800461.

Allele frequency attached by ClinVar (database versions not stated): ESP Exome Variant Server 0.00015; gnomAD 0.00016; TOPMed 0.00020; ExAC 0.00021.
gnomAD v4.1: 381 of 1,613,830 alleles (0.024%); highest among the groups gnomAD compares: Non-Finnish European, 0.029%; 1 homozygote.

Submissions (8):

Labcorp Genetics (formerly Invitae), Labcorp
Classification: Likely benign. Last evaluated: 2026-02-01. Review status: criteria provided, single submitter. Criteria: Invitae Variant Classification Sherloc (09022015). Collection method: clinical testing. Allele origin: germline.

Women's Health and Genetics/Laboratory Corporation of America, LabCorp
Classification: Likely benign. Last evaluated: 2024-07-30. Review status: criteria provided, single submitter. Criteria: LabCorp Variant Classification Summary - May 2015. Collection method: clinical testing. Allele origin: germline.

Blueprint Genetics
Classification: Likely benign. Last evaluated: 2023-12-29. Review status: criteria provided, single submitter. Criteria: ACMG Guidelines, 2015. Collection method: clinical testing. Allele origin: germline.

CeGaT Center for Human Genetics Tuebingen
Classification: Likely benign. Last evaluated: 2022-08-01. Review status: criteria provided, single submitter. Criteria: CeGaT Center For Human Genetics Tuebingen Variant Classification Criteria Version 2. Collection method: clinical testing. Allele origin: germline. Affected: yes. Observed: 3 variant alleles.
Comment: COL4A1: BP4, BP7

GeneDx
Classification: Likely benign. Last evaluated: 2021-06-01. Review status: criteria provided, single submitter. Criteria: GeneDx Variant Classification Process June 2021. Collection method: clinical testing. Allele origin: germline. Affected: yes.
Comment: This variant is associated with the following publications: (PMID: 27535533, 26582918)

PreventionGenetics, part of Exact Sciences
Classification: Likely benign for COL4A1-related condition. Last evaluated: 2019-05-22. Review status: no assertion criteria provided. Collection method: clinical testing. Allele origin: germline. Not counted in ClinVar's aggregate classification.
Comment: This variant is classified as likely benign based on ACMG/AMP sequence variant interpretation guidelines (Richards et al. 2015 PMID: 25741868, with internal and published modifications).

Clinical Genetics DNA and cytogenetics Diagnostics Lab, Erasmus MC, Erasmus Medical Center
Classification: Benign. Review status: no assertion criteria provided. Collection method: clinical testing. Allele origin: germline. Affected: yes. Study: VKGL Data-share Consensus. Not counted in ClinVar's aggregate classification.

Laboratory of Diagnostic Genome Analysis, Leiden University Medical Center (LUMC)
Classification: Likely benign. Review status: no assertion criteria provided. Collection method: clinical testing. Allele origin: germline. Affected: yes. Study: VKGL Data-share Consensus. Not counted in ClinVar's aggregate classification.

NM_001845.6(COL4A1):c.1725G>A (p.Ser575=)

Gene: COL4A1 (collagen type IV alpha 1 chain; minus strand). Cytogenetic location: 13q34.
Variant type: single nucleotide variant.
Coding change: c.1725G>A on transcript NM_001845.6 (MANE Select); coding-DNA position 1725, G replaced by A.
Protein change: p.Ser575=; no amino-acid change (serine 575 retained).
Molecular consequence: synonymous variant.
Genome position (GRCh38, 1-based): chr13:110,187,141, C>T on the plus strand (G>A on the coding strand, the complement: COL4A1 is on the minus strand). VCF-style: chr13-110187141-C-T. GRCh37 (hg19) VCF-style: chr13-110839488-C-T.
Identifiers: ClinVar variation 767499 (VCV000767499.57), dbSNP rs370332353, ClinGen allele CA7047852.